The following is an entry in ClinVar:

ClinVar aggregate classification (germline): Uncertain significance (1 of 4 stars; one submission).

Allele frequency attached by ClinVar (database versions not stated): ExAC 0.00001; gnomAD 0.00001; gnomAD exomes 0.00001; TOPMed 0.00001.
gnomAD v4.1: 4 of 1,611,182 alleles (0.00025%); highest among the groups gnomAD compares: Middle Eastern, 0.016%; no homozygotes.

Submission:

Labcorp Genetics (formerly Invitae), Labcorp
Classification: Uncertain significance. Last evaluated: 2022-03-01. Review status: criteria provided, single submitter. Criteria: Invitae Variant Classification Sherloc (09022015). Collection method: clinical testing. Allele origin: germline.
Comment: In summary, the available evidence is currently insufficient to determine the role of this variant in disease. Therefore, it has been classified as a Variant of Uncertain Significance. Algorithms developed to predict the effect of missense changes on protein structure and function are either unavailable or do not agree on the potential impact of this missense change (SIFT: "Deleterious"; PolyPhen-2: "Probably Damaging"; Align-GVGD: "Class C0"). This variant has not been reported in the literature in individuals affected with PSMG2-related conditions. This variant is present in population databases (rs781143783, gnomAD 0.002%). This sequence change replaces alanine, which is neutral and non-polar, with valine, which is neutral and non-polar, at codon 217 of the PSMG2 protein (p.Ala217Val).

NM_020232.5(PSMG2):c.650C>T (p.Ala217Val)

Gene: PSMG2 (proteasome assembly chaperone 2; plus strand). Cytogenetic location: 18p11.21.
Variant type: single nucleotide variant.
Coding change: c.650C>T on transcript NM_020232.5 (MANE Select); coding-DNA position 650, C replaced by T.
Protein change: p.Ala217Val; replaces alanine 217 with valine.
Molecular consequence: missense variant.
Genome position (GRCh38, 1-based): chr18:12,724,567, C>T. VCF-style: chr18-12724567-C-T. GRCh37 (hg19) VCF-style: chr18-12724566-C-T.
Other names: c.557C>T, p.Ala186Val (NM_147163.2); short protein forms A186V, A217V.
Identifiers: ClinVar variation 1941149 (VCV001941149.5), dbSNP rs781143783, ClinGen allele CA8898472.